The following is an entry in ClinVar:

NM_015338.6(ASXL1):c.3842C>G (p.Ser1281Cys)

Gene: ASXL1 (ASXL transcriptional regulator 1; plus strand). Cytogenetic location: 20q11.21.
Variant type: single nucleotide variant.
Coding change: c.3842C>G on transcript NM_015338.6 (MANE Select); coding-DNA position 3842, C replaced by G.
Protein change: p.Ser1281Cys; replaces serine 1281 with cysteine.
Molecular consequence: missense variant.
Genome position (GRCh38, 1-based): chr20:32,436,554, C>G. VCF-style: chr20-32436554-C-G. GRCh37 (hg19) VCF-style: chr20-31024357-C-G.
Other names: c.3659C>G, p.Ser1220Cys (NM_001363734.1); short protein forms S1220C, S1281C.
Identifiers: ClinVar variation 4588377 (VCV004588377.1).
Genomic context (GRCh38, chr20:32,436,554, plus strand): 5'-AGAGCCCAGGAGATCTTACTACCTCGAGAACACCTCGTTTCTCATCTCCAAATGTGATCT[C>G]CTTTGGTCCAGAGCAGACAGGTCGGGCCCTGGGTGATCAGAGCAATGTTACAGGCCAAGG-3'
Protein context (NP_056153.2, residues 1271-1291): TPRFSSPNVI[Ser1281Cys]FGPEQTGRAL

ClinVar aggregate classification (germline): Uncertain significance (1 of 4 stars; one submission).

Conditions:
Inborn genetic diseases. Identifiers: MedGen C0950123, MeSH D030342.

Submission:

Ambry Genetics
Classification: Uncertain significance for Inborn genetic diseases. Last evaluated: 2025-11-03. Review status: criteria provided, single submitter. Criteria: Ambry Variant Classification Scheme 2023. Collection method: clinical testing. Allele origin: germline.
Comment: The p.S1281C variant (also known as c.3842C>G), located in coding exon 13 of the ASXL1 gene, results from a C to G substitution at nucleotide position 3842. The serine at codon 1281 is replaced by cysteine, an amino acid with dissimilar properties. This amino acid position is conserved. In addition, this alteration is predicted to be tolerated by in silico analysis. Based on the available evidence, the clinical significance of this variant remains unclear.